The following is an entry in ClinVar:

NM_007294.4(BRCA1):c.1514_1515insT (p.Lys505fs)

Gene: BRCA1 (BRCA1 DNA repair associated; minus strand). Cytogenetic location: 17q21.31.
Variant type: Insertion.
Coding change: c.1514_1515insT on transcript NM_007294.4 (MANE Select); coding-DNA positions 1514 to 1515, T inserted.
Protein change: p.Lys505fs; shifts the reading frame from lysine 505.
Molecular consequence: frameshift variant. On other transcripts: intron variant (137).
Genome position: GRCh38 VCF-style: chr17-43094016-T-TA. GRCh37 (hg19) VCF-style: chr17-41246033-T-TA.
Other names: c.1514_1515insT, p.Lys505fs (NM_001407625.1, NM_001407626.1, NM_001407639.1 and 30 more transcripts); c.1511_1512insT, p.Lys504fs (NM_001407627.1, NM_001407638.1, NM_001407644.1 and 22 more transcripts); c.1505_1506insT, p.Lys502fs (NM_001407646.1, NM_001407647.1); c.1433_1434insT, p.Lys478fs (NM_001407659.1, NM_001407660.1, NM_001407661.1 and 1 more transcripts); c.1436_1437insT, p.Lys479fs (NM_001407663.1, NM_001407653.1, NM_001407654.1 and 4 more transcripts); c.1391_1392insT, p.Lys464fs (NM_001407664.1, NM_001407665.1, NM_001407666.1 and 19 more transcripts); c.1373_1374insT, p.Lys458fs (NM_001407696.1, NM_001407697.1, NM_001407698.1 and 29 more transcripts); c.1370_1371insT, p.Lys457fs (NM_001407740.1, NM_001407741.1, NM_001407742.1 and 20 more transcripts); and 40 more; short protein forms K458fs, K505fs, K209fs, K393fs, K394fs, K417fs, K479fs, K504fs.
Identifiers: ClinVar variation 548280 (VCV000548280.2), dbSNP rs1555591635, ClinGen allele CA658824521.
Genomic context (GRCh38, chr17:43,094,016, plus strand): 5'-AACTGCCAAATCTGCTTTCTTGATAAAATCCTCAGGATGAAGGCCTGATGTAGGTCTCCT[T>TA]TTACGCTTTAATTTATTTGTGAGGGGACGCTCTTGTATTATCTGTGGCTCAGTAACAAAT-3'

ClinVar aggregate classification (germline): Pathogenic (3 of 4 stars; one submission).

Conditions:
Breast-ovarian cancer, familial, susceptibility to, 1 (BROVCA1). Also called: BRCA1 Hereditary Breast and Ovarian Cancer; OVARIAN CANCER, SUSCEPTIBILITY TO. Identifiers: Orphanet 145, MedGen C2676676, MONDO:0011450, OMIM 604370. Disease mechanism: loss of function.

Submission:

Evidence-based Network for the Interpretation of Germline Mutant Alleles (ENIGMA)
Classification: Pathogenic for Breast-ovarian cancer, familial, susceptibility to, 1. Last evaluated: 2017-12-15. Review status: reviewed by expert panel. Criteria: ENIGMA BRCA1/2 Classification Criteria (2017-06-29). Collection method: curation. Allele origin: germline. Study: ENIGMA.
Comment: Variant allele predicted to encode a truncated non-functional protein.